The following is an entry in ClinVar:

NM_001367561.1(DOCK7):c.2035C>T (p.Arg679Trp)

Gene: DOCK7 (dedicator of cytokinesis 7; minus strand). Cytogenetic location: 1p31.3.
Variant type: single nucleotide variant.
Coding change: c.2035C>T on transcript NM_001367561.1 (MANE Select); coding-DNA position 2035, C replaced by T.
Protein change: p.Arg679Trp; replaces arginine 679 with tryptophan.
Molecular consequence: missense variant.
Genome position (GRCh38, 1-based): chr1:62,577,339, G>A on the plus strand (C>T on the coding strand, the complement: DOCK7 is on the minus strand). VCF-style: chr1-62577339-G-A. GRCh37 (hg19) VCF-style: chr1-63043010-G-A.
Other names: c.2035C>T, p.Arg679Trp (NM_001271999.2, NM_001272000.2, NM_001272001.2 and 2 more transcripts); c.2035C>T (NM_033407.2); short protein forms R679W.
Identifiers: ClinVar variation 978101 (VCV000978101.5), dbSNP rs759877282, ClinGen allele CA886373.

ClinVar aggregate classification (germline): Uncertain significance. Review status: criteria provided, multiple submitters, no conflicts (2 of 4 stars). 3 submissions from 3 submitters: Uncertain significance (3). Last evaluated 2023-04-11.

Conditions:
Inborn genetic diseases. Identifiers: MedGen C0950123, MeSH D030342.
Developmental and epileptic encephalopathy, 23 (DEE23). Also called: Epileptic encephalopathy, early infantile, 23. Identifiers: Orphanet 411986, MedGen C4014492, MONDO:0014371, OMIM 615859.

Allele frequency attached by ClinVar (database versions not stated): gnomAD exomes 0.00006; ExAC 0.00007.
gnomAD v4.1: 47 of 1,585,034 alleles (0.003%); highest among the groups gnomAD compares: South Asian, 0.046%; no homozygotes.

Submissions (3):

Ambry Genetics
Classification: Uncertain significance for Inborn genetic diseases. Last evaluated: 2023-04-11. Review status: criteria provided, single submitter. Criteria: Ambry Variant Classification Scheme 2023. Collection method: clinical testing. Allele origin: germline.

Genome-Nilou Lab
Classification: Uncertain significance for Developmental and epileptic encephalopathy, 23. Last evaluated: 2023-04-11. Review status: criteria provided, single submitter. Criteria: ACMG Guidelines, 2015. Collection method: clinical testing. Allele origin: germline. Affected: no.

New York Genome Center
Classification: Uncertain significance for Developmental and epileptic encephalopathy, 23. Last evaluated: 2019-12-16. Review status: criteria provided, single submitter. Criteria: NYGC Assertion Criteria 2020. Collection method: clinical testing. Allele origin: inherited. Observed: 1 homozygote. Study: CSER-NYCKidSeq.
Comment: The c.2035C>T, p.Arg679Trp is a missense variant in the DOCK7 gene and has not been reported in the available literature. The variant has 0.006% allele frequency in the gnomAD database (16 out of 247,910 heterozygous alleles), indicating this is a rare allele. In silico tools predict supporting evidence of pathogenicity. Based on the available evidence, the c.2035C>T, p.Arg679Trp variant in the DOCK7 gene is classified as a variant of uncertain significance.